The following is an entry in ClinVar:

ClinVar aggregate classification (germline): Uncertain significance (1 of 4 stars; one submission).

Conditions:
Methylmalonic acidemia with homocystinuria, type cblJ (MAHCJ). Also called: METHYLMALONIC ACIDURIA AND HOMOCYSTINURIA, cblJ TYPE. Identifiers: Orphanet 369955, MedGen C3553915, MONDO:0013925, OMIM 614857.

Submission:

Labcorp Genetics (formerly Invitae), Labcorp
Classification: Uncertain significance for Methylmalonic acidemia with homocystinuria, type cblJ. Last evaluated: 2025-01-27. Review status: criteria provided, single submitter. Criteria: Invitae Variant Classification Sherloc (09022015). Collection method: clinical testing. Allele origin: germline.
Comment: This sequence change replaces aspartic acid, which is acidic and polar, with glutamic acid, which is acidic and polar, at codon 75 of the ABCD4 protein (p.Asp75Glu). This variant is not present in population databases (gnomAD no frequency). This variant has not been reported in the literature in individuals affected with ABCD4-related conditions. ClinVar contains an entry for this variant (Variation ID: 1393161). An algorithm developed to predict the effect of missense changes on protein structure and function (PolyPhen-2) suggests that this variant is likely to be disruptive. In summary, the available evidence is currently insufficient to determine the role of this variant in disease. Therefore, it has been classified as a Variant of Uncertain Significance.

NM_005050.4(ABCD4):c.225C>G (p.Asp75Glu)

Gene: ABCD4 (ATP binding cassette subfamily D member 4; minus strand). Cytogenetic location: 14q24.3.
Variant type: single nucleotide variant.
Coding change: c.225C>G on transcript NM_005050.4 (MANE Select); coding-DNA position 225, C replaced by G.
Protein change: p.Asp75Glu; replaces aspartic acid 75 with glutamic acid.
Molecular consequence: missense variant. On other transcripts: 5 prime UTR variant (10), non-coding transcript variant (6), intron variant (9).
Genome position (GRCh38, 1-based): chr14:74,299,608, G>C on the plus strand (C>G on the coding strand, the complement: ABCD4 is on the minus strand). VCF-style: chr14-74299608-G-C. GRCh37 (hg19) VCF-style: chr14-74766311-G-C.
Other names: c.225C>G, p.Asp75Glu (NM_001353591.2, NM_001353592.2, NM_020325.3); c.-37C>G (NM_001353593.2, NM_001353594.2); c.-185C>G (NM_001353595.2); c.-113C>G (NM_001353599.2, NM_020324.3); c.-465C>G (NM_001353602.2); c.-470C>G (NM_001353605.2, NM_001353609.2, NM_001353610.2); c.-325C>G (NM_001353608.2); c.-409-1539C>G (NM_001353607.2); and 6 more; short protein forms D75E.
Identifiers: ClinVar variation 1393161 (VCV001393161.6), dbSNP rs2140093719, ClinGen allele CA390380215.